The following is an entry in ClinVar:

NM_000059.4(BRCA2):c.7901_7918del (p.Met2634_Pro2639del)

Gene: BRCA2 (BRCA2 DNA repair associated; plus strand). Cytogenetic location: 13q13.1.
Variant type: Deletion.
Coding change: c.7901_7918del on transcript NM_000059.4 (MANE Select); coding-DNA positions 7901 to 7918, 18 bases deleted (TGGAATGTGCCTTTCCTA).
Protein change: p.Met2634_Pro2639del.
Molecular consequence: inframe deletion.
Genome position (GRCh38, 1-based): chr13:32,362,618-32,362,635, TGGAATGTGCCTTTCCTA deleted; deleting any 18 consecutive bases within chr13:32,362,615-32,362,635 gives the same sequence; the c. name uses the placement nearest the transcript's 3' end. VCF-style (leftmost placement, unchanged base first): chr13-32362614-GCTATGGAATGTGCCTTTC-G. GRCh37 (hg19) VCF-style: chr13-32936751-GCTATGGAATGTGCCTTTC-G.
Other names: NP_000050.3:p.Met2634_Pro2639del.
Identifiers: ClinVar variation 1678936 (VCV001678936.6), dbSNP rs2137577239, ClinGen allele CA2573149360.

ClinVar aggregate classification (germline): Uncertain significance. Review status: criteria provided, multiple submitters, no conflicts (2 of 4 stars). 2 submissions from 2 submitters: Uncertain significance (2). Last evaluated 2022-07-30.

Conditions:
Hereditary breast ovarian cancer syndrome. Also called: Hereditary breast and ovarian cancer syndrome; BRCA1- and BRCA2-Associated Hereditary Breast and Ovarian Cancer; Hereditary breast and ovarian cancer syndrome (HBOC); Hereditary breast and/or ovarian cancer syndrome; Breast and ovarian cancer; Hereditary breast and ovarian cancer. Identifiers: Orphanet 145, MedGen C0677776, MeSH D061325, MONDO:0003582. Disease mechanism: loss of function.

Submissions (2):

Labcorp Genetics (formerly Invitae), Labcorp
Classification: Uncertain significance for Hereditary breast ovarian cancer syndrome. Last evaluated: 2022-07-30. Review status: criteria provided, single submitter. Criteria: Invitae Variant Classification Sherloc (09022015). Collection method: clinical testing. Allele origin: germline.
Comment: This variant, c.7901_7918del, results in the deletion of 6 amino acid(s) of the BRCA2 protein (p.Met2634_Pro2639del), but otherwise preserves the integrity of the reading frame. This variant is not present in population databases (gnomAD no frequency). This variant has not been reported in the literature in individuals affected with BRCA2-related conditions. ClinVar contains an entry for this variant (Variation ID: 1678936). Experimental studies and prediction algorithms are not available or were not evaluated, and the functional significance of this variant is currently unknown. In summary, the available evidence is currently insufficient to determine the role of this variant in disease. Therefore, it has been classified as a Variant of Uncertain Significance.

National Health Laboratory Service, Universitas Academic Hospital and University of the Free State
Classification: Uncertain significance for Hereditary breast ovarian cancer syndrome. Last evaluated: 2022-04-19. Review status: criteria provided, single submitter. Criteria: ACMG Guidelines, 2015. Collection method: clinical testing. Allele origin: germline. Affected: yes. Observed: 1 variant allele.